The following is an entry in ClinVar:

ClinVar aggregate classification (germline): Likely benign. Review status: criteria provided, single submitter (1 of 4 stars). 2 submissions from 2 submitters: Likely benign (1). 1 of the submissions does not count toward it. Last evaluated 2025-10-11.

Allele frequency attached by ClinVar (database versions not stated): gnomAD exomes below 0.00001; gnomAD 0.00001.

Submissions (2):

Labcorp Genetics (formerly Invitae), Labcorp
Classification: Likely benign. Last evaluated: 2025-10-11. Review status: criteria provided, single submitter. Criteria: Invitae Variant Classification Sherloc (09022015). Collection method: clinical testing. Allele origin: germline.

Martin Pollak Laboratory,  Beth Israel Deaconess Medical Center
Classification: Uncertain significance. Review status: no assertion criteria provided. Collection method: not provided. Allele origin: unknown. Not counted in ClinVar's aggregate classification.
Comment: Lower and higher UCa2+ groups
ClinVar note: Converted during submission from unknown to Uncertain significance.

NM_001177316.2(SLC34A3):c.585C>T (p.His195=)

Gene: SLC34A3 (solute carrier family 34 member 3; plus strand). Cytogenetic location: 9q34.3.
Variant type: single nucleotide variant.
Coding change: c.585C>T on transcript NM_001177316.2 (MANE Select); coding-DNA position 585, C replaced by T.
Protein change: p.His195=; no amino-acid change (histidine 195 retained).
Molecular consequence: synonymous variant.
Genome position (GRCh38, 1-based): chr9:137,233,233, C>T. VCF-style: chr9-137233233-C-T. GRCh37 (hg19) VCF-style: chr9-140127685-C-T.
Other names: c.585C>T, p.His195= (NM_001177317.2, NM_080877.3).
Identifiers: ClinVar variation 64505 (VCV000064505.4), dbSNP rs387907515, ClinGen allele CA216298.